The following is an entry in ClinVar:

ClinVar aggregate classification (germline): Benign/Likely benign. Review status: criteria provided, multiple submitters, no conflicts (2 of 4 stars). 4 submissions from 4 submitters: Benign (2); Likely benign (1). 1 of the submissions does not count toward it. Last evaluated 2026-02-02.

Conditions:
Early-infantile DEE. Also called: Early infantile epileptic encephalopathy with suppression bursts; Early infantile epileptic encephalopathy; Ohtahara syndrome. Identifiers: Orphanet 1934, MedGen C0393706, MONDO:0800491.
KCNH5-related disorder. Also called: KCNH5-related condition.

Allele frequency attached by ClinVar (database versions not stated): 1000 Genomes Project 0.00040; 1000 Genomes Project 30x 0.00047; ESP Exome Variant Server 0.00077; gnomAD 0.00080 and 0.00082; TOPMed 0.00093; ExAC 0.00105; gnomAD exomes 0.00106 and 0.00114.
gnomAD v4.1: 1,709 of 1,613,944 alleles (0.11%); highest among the groups gnomAD compares: Middle Eastern, 0.3%; 2 homozygotes.

Submissions (4):

Labcorp Genetics (formerly Invitae), Labcorp
Classification: Benign for Early-infantile DEE. Last evaluated: 2026-02-02. Review status: criteria provided, single submitter. Criteria: Invitae Variant Classification Sherloc (09022015). Collection method: clinical testing. Allele origin: germline.

CeGaT Center for Human Genetics Tuebingen
Classification: Likely benign. Last evaluated: 2025-10-01. Review status: criteria provided, single submitter. Criteria: CeGaT Center For Human Genetics Tuebingen Variant Classification Criteria Version 2. Collection method: clinical testing. Allele origin: germline. Affected: yes. Observed: 1 variant allele.
Comment: KCNH5: BS1

Breakthrough Genomics
Classification: Benign. Review status: criteria provided, single submitter. Criteria: ACMG Guidelines, 2015. Collection method: not provided. Allele origin: germline. Inheritance: Unknown mechanism. Affected: yes.

PreventionGenetics, part of Exact Sciences
Classification: Likely benign for KCNH5-related condition. Last evaluated: 2019-10-28. Review status: no assertion criteria provided. Collection method: clinical testing. Allele origin: germline. Not counted in ClinVar's aggregate classification.
Comment: This variant is classified as likely benign based on ACMG/AMP sequence variant interpretation guidelines (Richards et al. 2015 PMID: 25741868, with internal and published modifications).

NM_139318.5(KCNH5):c.1098A>G (p.Ile366Met)

Gene: KCNH5 (potassium voltage-gated channel subfamily H member 5; minus strand). Cytogenetic location: 14q23.2.
Variant type: single nucleotide variant.
Coding change: c.1098A>G on transcript NM_139318.5 (MANE Select); coding-DNA position 1098, A replaced by G.
Protein change: p.Ile366Met; replaces isoleucine 366 with methionine.
Molecular consequence: missense variant.
Genome position (GRCh38, 1-based): chr14:62,950,404, T>C on the plus strand (A>G on the coding strand, the complement: KCNH5 is on the minus strand). VCF-style: chr14-62950404-T-C. GRCh37 (hg19) VCF-style: chr14-63417122-T-C.
Other names: c.1098A>G, p.Ile366Met (NM_172375.3); short protein forms I366M.
Identifiers: ClinVar variation 416115 (VCV000416115.22), dbSNP rs146883958, ClinGen allele CA7217529.